The following is an entry in ClinVar:

ClinVar aggregate classification (germline): Uncertain significance (1 of 4 stars; one submission).

Conditions:
PRKACA-related disorder. Also called: PRKACA-related condition.

Allele frequency attached by ClinVar (database versions not stated): TOPMed 0.00001.

Submission:

PreventionGenetics, part of Exact Sciences
Classification: Uncertain significance for PRKACA-related condition. Last evaluated: 2023-07-09. Review status: criteria provided, single submitter. Criteria: ACMG Guidelines, 2015. Collection method: clinical testing. Allele origin: germline.
Comment: The PRKACA c.197C>G variant is predicted to result in the amino acid substitution p.Thr66Ser. To our knowledge, this variant has not been reported in the literature or in a large population database, indicating this variant is rare. At this time, the clinical significance of this variant is uncertain due to the absence of conclusive functional and genetic evidence.

NM_002730.4(PRKACA):c.197C>G (p.Thr66Ser)

Gene: PRKACA (protein kinase cAMP-activated catalytic subunit alpha; minus strand). Cytogenetic location: 19p13.12.
Variant type: single nucleotide variant.
Coding change: c.197C>G on transcript NM_002730.4 (MANE Select); coding-DNA position 197, C replaced by G.
Protein change: p.Thr66Ser; replaces threonine 66 with serine.
Molecular consequence: missense variant.
Genome position (GRCh38, 1-based): chr19:14,106,800, G>C on the plus strand (C>G on the coding strand, the complement: PRKACA is on the minus strand). VCF-style: chr19-14106800-G-C. GRCh37 (hg19) VCF-style: chr19-14217612-G-C.
Other names: c.425C>G, p.Thr142Ser (NM_001304349.2); c.173C>G, p.Thr58Ser (NM_207518.3); short protein forms T142S, T58S, T66S.
Identifiers: ClinVar variation 2631685 (VCV002631685.1), dbSNP rs1257181388, ClinGen allele CA404386768.
Genomic context (GRCh38, chr19:14,106,800, plus strand): 5'-GCGAGGACAGGCCACCTCACCTTCTGTTTGTCGAGGATCTTCATGGCATAGTGGTTCCCG[G>C]TCTCCTTGTGTTTCACCAGCATCACCCGCCCGAAGGAGCCCGTGCCGAGGGTCTTGATTC-3'
Protein context (NP_002721.1, residues 56-76): GRVMLVKHKE[Thr66Ser]GNHYAMKILD